The following is an entry in ClinVar:

ClinVar aggregate classification (germline): Uncertain significance (1 of 4 stars; one submission).

gnomAD v4.1: 4 of 1,613,512 alleles (0.00025%); highest among the groups gnomAD compares: South Asian, 0.0011%; no homozygotes.

Submission:

GeneDx
Classification: Uncertain significance. Last evaluated: 2024-08-13. Review status: criteria provided, single submitter. Criteria: GeneDx Variant Classification Process June 2021. Collection method: clinical testing. Allele origin: germline. Affected: yes.
Comment: Not observed at significant frequency in large population cohorts (gnomAD); In silico analysis indicates that this missense variant does not alter protein structure/function; Has not been previously published as pathogenic or benign to our knowledge

NM_206933.4(USH2A):c.10408A>G (p.Met3470Val)

Gene: USH2A (usherin; minus strand). Cytogenetic location: 1q41.
Variant type: single nucleotide variant.
Coding change: c.10408A>G on transcript NM_206933.4 (MANE Select); coding-DNA position 10408, A replaced by G.
Protein change: p.Met3470Val; replaces methionine 3470 with valine.
Molecular consequence: missense variant.
Genome position (GRCh38, 1-based): chr1:215,782,915, T>C on the plus strand (A>G on the coding strand, the complement: USH2A is on the minus strand). VCF-style: chr1-215782915-T-C. GRCh37 (hg19) VCF-style: chr1-215956257-T-C.
Other names: short protein forms M3470V.
Identifiers: ClinVar variation 3730979 (VCV003730979.1).